The following is an entry in ClinVar:

NM_018979.4(WNK1):c.5365-20C>G

Gene: WNK1 (WNK lysine deficient protein kinase 1; plus strand). Cytogenetic location: 12p13.33.
Variant type: single nucleotide variant.
Coding change: c.5365-20C>G on transcript NM_018979.4 (MANE Select); 20 bases into the intron before coding-DNA position 5365, C replaced by G.
Molecular consequence: intron variant.
Genome position (GRCh38, 1-based): chr12:889,120, C>G. VCF-style: chr12-889120-C-G. GRCh37 (hg19) VCF-style: chr12-998286-C-G.
Other names: c.6121-20C>G (NM_213655.5); c.6145-20C>G (NM_001184985.2); c.4624-20C>G (NM_014823.3).
Identifiers: ClinVar variation 2194630 (VCV002194630.4), dbSNP rs371353275, ClinGen allele CA6383153.
Genomic context (GRCh38, chr12:889,120, plus strand): 5'-TGTGTCCTATCTAAATTGGCTATATATCGTGACTCTGAAGGTGCCACGGAACTGTATTTA[C>G]TGTGATTGTTTTCATTCAGTCCCAGCAACCTCTAGAGGATCTTGATGCTCAATTGAGAAG-3'

ClinVar aggregate classification (germline): Uncertain significance (1 of 4 stars; one submission).

Conditions:
Neuropathy, hereditary sensory and autonomic, type 2A (HSAN2A). Also called: ACROOSTEOLYSIS, GIACCAI TYPE; ACROOSTEOLYSIS, NEUROGENIC; MORVAN DISEASE; NEUROPATHY, CONGENITAL SENSORY; NEUROPATHY, HEREDITARY SENSORY RADICULAR, AUTOSOMAL RECESSIVE; NEUROPATHY, HEREDITARY SENSORY, TYPE IIA. Identifiers: Orphanet 970, MedGen C2752089, MONDO:0024309, OMIM 201300.
Pseudohypoaldosteronism type 2C (PHA2C). Also called: Pseudohypoaldosteronism Type IIC. Identifiers: Orphanet 757, Orphanet 88940, MedGen C1840391, MONDO:0013778, OMIM 614492.

Allele frequency attached by ClinVar (database versions not stated): gnomAD exomes below 0.00001; ExAC 0.00002; gnomAD 0.00002; TOPMed 0.00003; ESP Exome Variant Server 0.00008.
gnomAD v4.1: 9 of 1,607,774 alleles (0.00056%); highest among the groups gnomAD compares: African/African-American, 0.012%; no homozygotes.

Submission:

Labcorp Genetics (formerly Invitae), Labcorp
Classification: Uncertain significance for Neuropathy, hereditary sensory and autonomic, type 2A; Pseudohypoaldosteronism type 2C. Last evaluated: 2022-07-27. Review status: criteria provided, single submitter. Criteria: Invitae Variant Classification Sherloc (09022015). Collection method: clinical testing. Allele origin: germline.
Comment: In summary, the available evidence is currently insufficient to determine the role of this variant in disease. Therefore, it has been classified as a Variant of Uncertain Significance. Algorithms developed to predict the effect of sequence changes on RNA splicing suggest that this variant may disrupt the consensus splice site. This variant has not been reported in the literature in individuals affected with WNK1-related conditions. This variant is present in population databases (rs371353275, gnomAD 0.01%). This sequence change falls in intron 20 of the WNK1 gene. It does not directly change the encoded amino acid sequence of the WNK1 protein.